The following is an entry in ClinVar:

NM_000222.3(KIT):c.2815T>A (p.Leu939Ile)

Gene: KIT (KIT proto-oncogene, receptor tyrosine kinase; plus strand). Cytogenetic location: 4q12.
Variant type: single nucleotide variant.
Coding change: c.2815T>A on transcript NM_000222.3 (MANE Select); coding-DNA position 2815, T replaced by A.
Protein change: p.Leu939Ile; replaces leucine 939 with isoleucine.
Molecular consequence: missense variant.
Genome position (GRCh38, 1-based): chr4:54,738,441, T>A. VCF-style: chr4-54738441-T-A. GRCh37 (hg19) VCF-style: chr4-55604607-T-A.
Other names: c.2803T>A, p.Leu935Ile (NM_001093772.2, NM_001385292.1); c.2818T>A, p.Leu940Ile (NM_001385284.1); c.2812T>A, p.Leu938Ile (NM_001385285.1); c.2800T>A, p.Leu934Ile (NM_001385286.1); c.2806T>A, p.Leu936Ile (NM_001385288.1); c.2815T>A, p.Leu939Ile (NM_001385290.1); short protein forms L936I, L938I, L940I, L934I, L939I, L935I.
Identifiers: ClinVar variation 3701229 (VCV003701229.3).
Genomic context (GRCh38, chr4:54,738,441, plus strand): 5'-TGTTCGTTGTAGGGACTGCTGTATTGACTATGGGCTTGTTTTCTCCAGATTTACTCCAAC[T>A]TAGCAAACTGCAGCCCCAACCGACAGAAGCCCGTGGTAGACCATTCTGTGCGGATCAATT-3'
Protein context (NP_000213.1, residues 929-949): SESTNHIYSN[Leu939Ile]ANCSPNRQKP

ClinVar aggregate classification (germline): Uncertain significance. Review status: criteria provided, multiple submitters, no conflicts (2 of 4 stars). 2 submissions from 2 submitters: Uncertain significance (2). Last evaluated 2025-12-30.

Conditions:
Hereditary cancer-predisposing syndrome. Also called: Neoplastic Syndromes, Hereditary; Tumor predisposition; Hereditary Cancer Syndrome; Hereditary neoplastic syndrome. Identifiers: Orphanet 140162, MedGen C0027672, MeSH D009386, MONDO:0015356.
Gastrointestinal stromal tumor. Also called: Gastrointestinal stromal tumor, somatic; Gastrointestinal stroma tumor. Identifiers: Orphanet 44890, MedGen C0238198, MeSH D046152, MONDO:0011719, OMIM 606764, HP:0100723.

Submissions (2):

Ambry Genetics
Classification: Uncertain significance for Hereditary cancer-predisposing syndrome. Last evaluated: 2025-12-30. Review status: criteria provided, single submitter. Criteria: Ambry Variant Classification Scheme 2023. Collection method: clinical testing. Allele origin: germline.
Comment: The p.L939I variant (also known as c.2815T>A), located in coding exon 21 of the KIT gene, results from a T to A substitution at nucleotide position 2815. The leucine at codon 939 is replaced by isoleucine, an amino acid with highly similar properties. This amino acid position is conserved. In addition, this alteration is predicted to be tolerated by in silico analysis. Based on the available evidence, the clinical significance of this variant remains unclear.

Labcorp Genetics (formerly Invitae), Labcorp
Classification: Uncertain significance for Gastrointestinal stromal tumor. Last evaluated: 2024-07-03. Review status: criteria provided, single submitter. Criteria: Invitae Variant Classification Sherloc (09022015). Collection method: clinical testing. Allele origin: germline.
Comment: This sequence change replaces leucine, which is neutral and non-polar, with isoleucine, which is neutral and non-polar, at codon 939 of the KIT protein (p.Leu939Ile). This variant is not present in population databases (gnomAD no frequency). This variant has not been reported in the literature in individuals affected with KIT-related conditions. Algorithms developed to predict the effect of missense changes on protein structure and function output the following: SIFT: "Not Available"; PolyPhen-2: "Benign"; Align-GVGD: "Not Available". The isoleucine amino acid residue is found in multiple mammalian species, which suggests that this missense change does not adversely affect protein function. In summary, the available evidence is currently insufficient to determine the role of this variant in disease. Therefore, it has been classified as a Variant of Uncertain Significance.